The following is an entry in ClinVar:

ClinVar aggregate classification (germline): Conflicting classifications of pathogenicity. Review status: criteria provided, conflicting classifications (1 of 4 stars). 6 submissions from 5 submitters: Uncertain significance (3); Likely benign (2). 1 of the submissions does not count toward it. Last evaluated 2025-03-26.

Conditions:
Enhanced S-cone syndrome (ESCS). Identifiers: Orphanet 53540, MedGen C1849394, MONDO:0100288, MONDO:0009989.
NR2E3-related disorder. Also called: NR2E3-related disorders; NR2E3-related condition. Identifiers: MedGen CN239387.
Retinitis pigmentosa (RP). Identifiers: Orphanet 791, MedGen C0035334, MeSH D012174, MONDO:0019200, OMIM 268000. Inheritance: Autosomal dominant, autosomal recessive and X linked inheritance.

Allele frequency attached by ClinVar (database versions not stated): gnomAD 0.00009; TOPMed 0.00010; 1000 Genomes Project 30x 0.00016; ESP Exome Variant Server 0.00018; 1000 Genomes Project 0.00020; ExAC 0.00023.
gnomAD v4.1: 37 of 1,550,972 alleles (0.0024%); highest among the groups gnomAD compares: East Asian, 0.02%; no homozygotes.

Submissions (6):

PreventionGenetics, part of Exact Sciences
Classification: Likely benign for NR2E3-related condition. Last evaluated: 2025-03-26. Review status: criteria provided, single submitter. Criteria: ACMG Guidelines, 2015. Collection method: clinical testing. Allele origin: germline.
Comment: This variant is classified as likely benign based on ACMG/AMP sequence variant interpretation guidelines (Richards et al. 2015 PMID: 25741868, with internal and published modifications).

Labcorp Genetics (formerly Invitae), Labcorp
Classification: Uncertain significance. Last evaluated: 2024-12-13. Review status: criteria provided, single submitter. Criteria: Invitae Variant Classification Sherloc (09022015). Collection method: clinical testing. Allele origin: germline.
Comment: This sequence change affects codon 116 of the NR2E3 mRNA. It is a 'silent' change, meaning that it does not change the encoded amino acid sequence of the NR2E3 protein. It affects a nucleotide within the consensus splice site. This variant is present in population databases (rs374499278, gnomAD 0.05%). This variant has not been reported in the literature in individuals affected with NR2E3-related conditions. ClinVar contains an entry for this variant (Variation ID: 885314). Algorithms developed to predict the effect of sequence changes on RNA splicing suggest that this variant is not likely to affect RNA splicing. In summary, the available evidence is currently insufficient to determine the role of this variant in disease. Therefore, it has been classified as a Variant of Uncertain Significance.

Blueprint Genetics
Classification: Uncertain significance. Last evaluated: 2024-08-09. Review status: criteria provided, single submitter. Criteria: ACMG Guidelines, 2015. Collection method: clinical testing. Allele origin: germline.

Illumina Laboratory Services, Illumina
Classification: Likely benign for Retinitis pigmentosa. Last evaluated: 2018-01-13. Review status: criteria provided, single submitter. Criteria: ICSL Variant Classification Criteria 13 December 2019. Collection method: clinical testing. Allele origin: germline.
Comment: This variant was observed in the ICSL laboratory as part of a predisposition screen in an ostensibly healthy population. It had not been previously curated by ICSL or reported in the Human Gene Mutation Database (HGMD: prior to June 1st, 2018), and was therefore a candidate for classification through an automated scoring system. Utilizing variant allele frequency, disease prevalence and penetrance estimates, and inheritance mode, an automated score was calculated to assess if this variant is too frequent to cause the disease. Based on the score and internal cut-off values, a variant classified as likely benign is not then subjected to further curation. The score for this variant resulted in a classification of likely benign for this disease.

Illumina Laboratory Services, Illumina
Classification: Uncertain significance for ENHANCED S-CONE SYNDROME 1. Last evaluated: 2018-01-13. Review status: criteria provided, single submitter. Criteria: ICSL Variant Classification Criteria 13 December 2019. Collection method: clinical testing. Allele origin: germline.

Natera, Inc.
Classification: Uncertain significance for Enhanced S cone syndrome. Last evaluated: 2020-02-23. Review status: no assertion criteria provided. Collection method: clinical testing. Allele origin: germline. Not counted in ClinVar's aggregate classification.

NM_014249.4(NR2E3):c.348C>T (p.Asp116=)

Gene: NR2E3 (nuclear receptor subfamily 2 group E member 3; plus strand). Cytogenetic location: 15q23.
Variant type: single nucleotide variant.
Coding change: c.348C>T on transcript NM_014249.4 (MANE Select); coding-DNA position 348, C replaced by T.
Protein change: p.Asp116=; no amino-acid change (aspartic acid 116 retained).
Molecular consequence: synonymous variant.
Genome position (GRCh38, 1-based): chr15:71,811,868, C>T. VCF-style: chr15-71811868-C-T. GRCh37 (hg19) VCF-style: chr15-72104208-C-T.
Other names: c.348C>T, p.Asp116= (NM_016346.4).
Identifiers: ClinVar variation 885314 (VCV000885314.15), dbSNP rs374499278, ClinGen allele CA7640287.